The following is an entry in ClinVar:

NM_002734.5(PRKAR1A):c.503-3T>A

Gene: PRKAR1A (protein kinase cAMP-dependent type I regulatory subunit alpha; plus strand). Cytogenetic location: 17q24.2.
Variant type: single nucleotide variant.
Coding change: c.503-3T>A on transcript NM_002734.5 (MANE Select); 3 bases into the intron before coding-DNA position 503, T replaced by A.
Molecular consequence: intron variant.
Genome position (GRCh38, 1-based): chr17:68,524,909, T>A. VCF-style: chr17-68524909-T-A. GRCh37 (hg19) VCF-style: chr17-66521050-T-A.
Other names: c.503-3T>A (NM_001278433.2, NM_001369389.1, NM_212471.3 and 4 more transcripts).
Identifiers: ClinVar variation 4144359 (VCV004144359.1).

ClinVar aggregate classification (germline): Uncertain significance (1 of 4 stars; one submission).

Conditions:
Hereditary cancer-predisposing syndrome. Also called: Hereditary neoplastic syndrome; Neoplastic Syndromes, Hereditary; Tumor predisposition; Hereditary Cancer Syndrome. Identifiers: Orphanet 140162, MedGen C0027672, MeSH D009386, MONDO:0015356.

Submission:

Ambry Genetics
Classification: Uncertain significance for Hereditary cancer-predisposing syndrome. Last evaluated: 2025-06-27. Review status: criteria provided, single submitter. Criteria: Ambry Variant Classification Scheme 2023. Collection method: clinical testing. Allele origin: germline.
Comment: The c.503-3T>A intronic variant results from a T to A substitution 3 nucleotides upstream from coding exon 5 in the PRKAR1A gene. This nucleotide position is not well conserved in available vertebrate species. In silico splice site analysis predicts that this alteration will not have any significant effect on splicing. Based on the available evidence, the clinical significance of this variant remains unclear.